The following is an entry in ClinVar:

ClinVar aggregate classification (germline): Likely benign. Review status: criteria provided, single submitter (1 of 4 stars). 2 submissions from 1 submitter: Likely benign (2). Last evaluated 2018-01-13.

Conditions:
Charcot-Marie-Tooth disease type 4C (CMT4C). Also called: CHARCOT-MARIE-TOOTH DISEASE, DEMYELINATING, AUTOSOMAL RECESSIVE, TYPE 4C; CMT 4C; Charcot-Marie-Tooth Neuropathy Type 4C (CMT4C); CHARCOT-MARIE-TOOTH DISEASE, DEMYELINATING, TYPE 4C; SH3TC2-Related Hereditary Motor and Sensory Neuropathy. Identifiers: Orphanet 99949, MedGen C1866636, MONDO:0011113, OMIM 601596.
Susceptibility to mononeuropathy of the median nerve, mild. Also called: CARPAL TUNNEL SYNDROME, SUSCEPTIBILITY TO. Identifiers: MedGen C3150596, MONDO:0013237, OMIM 613353.

Allele frequency attached by ClinVar (database versions not stated): 1000 Genomes Project 0.00140; 1000 Genomes Project 30x 0.00141; gnomAD 0.00398 and 0.00417; TOPMed 0.00442.
gnomAD v4.1: 602 of 152,296 alleles (0.4%); highest among the groups gnomAD compares: Admixed American, 0.82%; 1 homozygote.

Submissions (2):

Illumina Laboratory Services, Illumina
Classification: Likely benign for Charcot-Marie-Tooth disease type 4C. Last evaluated: 2018-01-13. Review status: criteria provided, single submitter. Criteria: ICSL Variant Classification Criteria 13 December 2019. Collection method: clinical testing. Allele origin: germline.
Comment: This variant was observed in the ICSL laboratory as part of a predisposition screen in an ostensibly healthy population. It had not been previously curated by ICSL or reported in the Human Gene Mutation Database (HGMD: prior to June 1st, 2018), and was therefore a candidate for classification through an automated scoring system. Utilizing variant allele frequency, disease prevalence and penetrance estimates, and inheritance mode, an automated score was calculated to assess if this variant is too frequent to cause the disease. Based on the score and internal cut-off values, a variant classified as likely benign is not then subjected to further curation. The score for this variant resulted in a classification of likely benign for this disease.

Illumina Laboratory Services, Illumina
Classification: Likely benign for Susceptibility to mononeuropathy of the median nerve, mild. Last evaluated: 2018-01-13. Review status: criteria provided, single submitter. Criteria: ICSL Variant Classification Criteria 13 December 2019. Collection method: clinical testing. Allele origin: germline.
Comment: the same text as in the submission from Illumina Laboratory Services, Illumina above.

NM_024577.4(SH3TC2):c.*16169G>A

Gene: SH3TC2 (SH3 domain and tetratricopeptide repeats 2; minus strand). Cytogenetic location: 5q32.
Variant type: single nucleotide variant.
Coding change: c.*16169G>A on transcript NM_024577.4 (MANE Select); 16169 bases downstream of the stop codon, G replaced by A.
Molecular consequence: 3 prime UTR variant.
Genome position (GRCh38, 1-based): chr5:148,988,542, C>T on the plus strand (G>A on the coding strand, the complement: SH3TC2 is on the minus strand). VCF-style: chr5-148988542-C-T. GRCh37 (hg19) VCF-style: chr5-148368105-C-T.
Identifiers: ClinVar variation 351641 (VCV000351641.5), dbSNP rs191600511, ClinGen allele CA10623135.
Genomic context (GRCh38, chr5:148,988,542, plus strand): 5'-TCTCCTGGAATGCTAGCTCTTGGAATGCACTCTCTTGGAACCAGCCACCATGCTGTAAGA[C>T]GGCCAAGCCACATGGAGTCGACATGGCTCACGGCTCCAGTTGATCACAGCCCCAGCTGAG-3'